The following is an entry in ClinVar:

ClinVar aggregate classification (germline): Uncertain significance (1 of 4 stars; one submission).

Conditions:
Familial adenomatous polyposis 1 (FAP1). Also called: POLYPOSIS, ADENOMATOUS INTESTINAL; FAMILIAL ADENOMATOUS POLYPOSIS 1, ATTENUATED. Identifiers: MedGen C2713442, MONDO:0021056, OMIM 175100. Disease mechanism: loss of function.

Submission:

Labcorp Genetics (formerly Invitae), Labcorp
Classification: Uncertain significance for Familial adenomatous polyposis 1. Last evaluated: 2022-05-27. Review status: criteria provided, single submitter. Criteria: Invitae Variant Classification Sherloc (09022015). Collection method: clinical testing. Allele origin: germline.
Comment: In summary, the available evidence is currently insufficient to determine the role of this variant in disease. Therefore, it has been classified as a Variant of Uncertain Significance. Experimental studies and prediction algorithms are not available or were not evaluated, and the functional significance of this variant is currently unknown. This variant has not been reported in the literature in individuals affected with APC-related conditions. This variant is not present in population databases (gnomAD no frequency). This variant occurs in a non-coding region of the APC gene. It does not change the encoded amino acid sequence of the APC protein.

NC_000005.10:g.112707393C>T

Gene: APC (APC regulator of Wnt signaling pathway; plus strand). Cytogenetic location: 5q22.2.
Variant type: single nucleotide variant.
Genome position: GRCh38 VCF-style: chr5-112707393-C-T. GRCh37 (hg19) VCF-style: chr5-112043090-C-T.
Identifiers: ClinVar variation 1426850 (VCV001426850.6), dbSNP rs994601309, ClinGen allele CA802056852.
Genomic context (GRCh38, chr5:112,707,393, plus strand): 5'-GCCAGTAAGTGCTGCAACTGAGACTCGGCTGCCTAGGCAGCAATGGCTCACGGGACAGAA[C>T]AGCGAAGCAGTGCCCGGCAAGCGGAGCGCAGCACCCATTGCGCCTGCGCATAACAGGCTC-3'